The following is an entry in ClinVar:

NC_000009.11:g.(?_113444934)_(113449568_?)del

Gene: MUSK (muscle associated receptor tyrosine kinase; plus strand). Cytogenetic location: 9q31.3.
Variant type: Deletion.
Identifiers: ClinVar variation 2425378 (VCV002425378.6).

ClinVar aggregate classification (germline): Pathogenic (1 of 4 stars; one submission).

Conditions:
Congenital myasthenic syndrome 9. Also called: Myasthenic syndrome, congenital, 9, associated with acetylcholine receptor deficiency. Identifiers: Orphanet 590, MedGen C4225368, MONDO:0014587, OMIM 616325.
Fetal akinesia deformation sequence 1 (FADS1). Also called: Pena-Shokeir syndrome type I; Fetal akinesia sequence. Identifiers: Orphanet 994, MedGen C1276035, MONDO:0100101, OMIM 208150, HP:0001989.

Submission:

Labcorp Genetics (formerly Invitae), Labcorp
Classification: Pathogenic for Congenital myasthenic syndrome 9; Fetal akinesia deformation sequence 1. Last evaluated: 2024-01-22. Review status: criteria provided, single submitter. Criteria: Invitae Variant Classification Sherloc (09022015). Collection method: clinical testing. Allele origin: germline.
Comment: This variant is a gross deletion of the genomic region encompassing exon(s) 2-3 of the MUSK gene. This variant would be expected to be in-frame, preserving the integrity of the reading frame. A similar copy number variant has been observed in individual(s) with congenital myasthenic syndrome (PMID: 24183479). It has also been observed to segregate with disease in related individuals. This variant disrupts the p.Asn103 amino acid residue in MUSK. Other variant(s) that disrupt this residue have been determined to be pathogenic (PMID: 25900532, 32253145). This suggests that this residue is clinically significant, and that variants that disrupt this residue are likely to be disease-causing. For these reasons, this variant has been classified as Pathogenic.

Literature cited by the submitters: PubMed 24183479; PubMed 25900532; PubMed 32253145.